The following is an entry in ClinVar:

NM_020297.4(ABCC9):c.2983A>G (p.Ile995Val)

Gene: ABCC9 (ATP binding cassette subfamily C member 9; minus strand). Cytogenetic location: 12p12.1.
Variant type: single nucleotide variant.
Coding change: c.2983A>G on transcript NM_020297.4 (MANE Select); coding-DNA position 2983, A replaced by G.
Protein change: p.Ile995Val; replaces isoleucine 995 with valine.
Molecular consequence: missense variant.
Genome position (GRCh38, 1-based): chr12:21,845,716, T>C on the plus strand (A>G on the coding strand, the complement: ABCC9 is on the minus strand). VCF-style: chr12-21845716-T-C. GRCh37 (hg19) VCF-style: chr12-21998650-T-C.
Other names: c.2983A>G, p.Ile995Val (NM_001377273.1, NM_005691.4); c.2116A>G, p.Ile706Val (NM_001377274.1); short protein forms I706V, I995V.
Identifiers: ClinVar variation 1000857 (VCV001000857.10), dbSNP rs374500043, ClinGen allele CA6481232.

ClinVar aggregate classification (germline): Uncertain significance. Review status: criteria provided, multiple submitters, no conflicts (2 of 4 stars). 2 submissions from 2 submitters: Uncertain significance (2). Last evaluated 2025-10-09.

Conditions:
Cardiovascular phenotype. Identifiers: MedGen CN230736.
Dilated cardiomyopathy 1O (CMD1O). Also called: CARDIOMYOPATHY, DILATED, WITH VENTRICULAR TACHYCARDIA. Identifiers: Orphanet 154, MedGen C1837839, MONDO:0012062, OMIM 608569.

Allele frequency attached by ClinVar (database versions not stated): gnomAD exomes below 0.00001; ExAC 0.00002; gnomAD 0.00003; TOPMed 0.00005; ESP Exome Variant Server 0.00008.
gnomAD v4.1: 6 of 1,613,814 alleles (0.00037%); highest among the groups gnomAD compares: African/African-American, 0.008%; no homozygotes.

Submissions (2):

Labcorp Genetics (formerly Invitae), Labcorp
Classification: Uncertain significance for Dilated cardiomyopathy 1O. Last evaluated: 2025-10-09. Review status: criteria provided, single submitter. Criteria: Invitae Variant Classification Sherloc (09022015). Collection method: clinical testing. Allele origin: germline.
Comment: This sequence change replaces isoleucine, which is neutral and non-polar, with valine, which is neutral and non-polar, at codon 995 of the ABCC9 protein (p.Ile995Val). This variant is present in population databases (rs374500043, gnomAD 0.01%). This variant has not been reported in the literature in individuals affected with ABCC9-related conditions. ClinVar contains an entry for this variant (Variation ID: 1000857). Invitae Evidence Modeling of protein sequence and biophysical properties (such as structural, functional, and spatial information, amino acid conservation, physicochemical variation, residue mobility, and thermodynamic stability) indicates that this missense variant is not expected to disrupt ABCC9 protein function with a negative predictive value of 95%. In summary, the available evidence is currently insufficient to determine the role of this variant in disease. Therefore, it has been classified as a Variant of Uncertain Significance.

Ambry Genetics
Classification: Uncertain significance for Cardiovascular phenotype. Last evaluated: 2022-03-14. Review status: criteria provided, single submitter. Criteria: Ambry Variant Classification Scheme 2023. Collection method: clinical testing. Allele origin: germline.
Comment: The p.I995V variant (also known as c.2983A>G), located in coding exon 24 of the ABCC9 gene, results from an A to G substitution at nucleotide position 2983. The isoleucine at codon 995 is replaced by valine, an amino acid with highly similar properties. This amino acid position is poorly conserved in available vertebrate species. In addition, this alteration is predicted to be tolerated by in silico analysis. Since supporting evidence is limited at this time, the clinical significance of this alteration remains unclear.